The following is an entry in ClinVar:

ClinVar aggregate classification (germline): Uncertain significance. Review status: criteria provided, multiple submitters, no conflicts (2 of 4 stars). 3 submissions from 3 submitters: Uncertain significance (3). Last evaluated 2025-12-15.

Conditions:
Inborn genetic diseases. Identifiers: MedGen C0950123, MeSH D030342.

Allele frequency attached by ClinVar (database versions not stated): gnomAD exomes 0.00001.

Submissions (3):

Ambry Genetics
Classification: Uncertain significance for Inborn genetic diseases. Last evaluated: 2025-12-15. Review status: criteria provided, single submitter. Criteria: Ambry Variant Classification Scheme 2023. Collection method: clinical testing. Allele origin: germline.

Mayo Clinic Laboratories, Mayo Clinic
Classification: Uncertain significance. Last evaluated: 2024-06-04. Review status: criteria provided, single submitter. Criteria: ACMG Guidelines, 2015. Collection method: clinical testing. Allele origin: germline. Observed: 1 variant allele.

Labcorp Genetics (formerly Invitae), Labcorp
Classification: Uncertain significance. Last evaluated: 2023-11-28. Review status: criteria provided, single submitter. Criteria: Invitae Variant Classification Sherloc (09022015). Collection method: clinical testing. Allele origin: germline.
Comment: This sequence change replaces glycine, which is neutral and non-polar, with arginine, which is basic and polar, at codon 383 of the SPART protein (p.Gly383Arg). This variant is present in population databases (no rsID available, gnomAD 0.003%). This variant has not been reported in the literature in individuals affected with SPART-related conditions. ClinVar contains an entry for this variant (Variation ID: 2162752). An algorithm developed to predict the effect of missense changes on protein structure and function (PolyPhen-2) suggests that this variant¬†is likely to be tolerated. In summary, the available evidence is currently insufficient to determine the role of this variant in disease. Therefore, it has been classified as a Variant of Uncertain Significance.

NM_015087.5(SPART):c.1147G>A (p.Gly383Arg)

Gene: SPART (spartin; minus strand). Cytogenetic location: 13q13.3.
Variant type: single nucleotide variant.
Coding change: c.1147G>A on transcript NM_015087.5 (MANE Select); coding-DNA position 1147, G replaced by A.
Protein change: p.Gly383Arg; replaces glycine 383 with arginine.
Molecular consequence: missense variant.
Genome position (GRCh38, 1-based): chr13:36,329,379, C>T on the plus strand (G>A on the coding strand, the complement: SPART is on the minus strand). VCF-style: chr13-36329379-C-T. GRCh37 (hg19) VCF-style: chr13-36903516-C-T.
Other names: p.Gly383Arg; c.1147G>A, p.Gly383Arg (NM_001142294.2, NM_001142295.2, NM_001142296.2); c.1147G>A (NM_015087.4); short protein forms G383R.
Identifiers: ClinVar variation 2162752 (VCV002162752.6), dbSNP rs912293884, ClinGen allele CA248170910.